The following is an entry in ClinVar:

NM_001184.4(ATR):c.2357del (p.Leu786fs)

Gene: ATR (ATR checkpoint kinase; minus strand). Cytogenetic location: 3q23.
Variant type: Deletion.
Coding change: c.2357del on transcript NM_001184.4 (MANE Select); coding-DNA position 2357, one base deleted (T; older notation c.2357delT).
Protein change: p.Leu786fs; shifts the reading frame from leucine 786.
Molecular consequence: frameshift variant.
Genome position (GRCh38, 1-based): chr3:142,554,000, A deleted on the plus strand (T on the coding strand, the reverse complement: ATR is on the minus strand). VCF-style (leftmost placement, unchanged base first): chr3-142553999-TA-T. GRCh37 (hg19) VCF-style: chr3-142272841-TA-T.
Other names: c.2165del, p.Leu722fs (NM_001354579.2); short protein forms L722fs, L786fs.
Identifiers: ClinVar variation 3665629 (VCV003665629.2).
Genomic context (GRCh38, chr3:142,553,999, plus strand): 5'-AAGAACTGCTTTTACATCTGTTTCATCTTCTCTAAAATCAAGATGCTTACAAAGATGATG[TA>T]GATTATCTATGAAAGCTGAAGGACAAGAGTATACAATACCTAATTTAACATATTAAATGT-3'

ClinVar aggregate classification (germline): Pathogenic (1 of 4 stars; one submission).

Submission:

Labcorp Genetics (formerly Invitae), Labcorp
Classification: Pathogenic. Last evaluated: 2024-07-15. Review status: criteria provided, single submitter. Criteria: Invitae Variant Classification Sherloc (09022015). Collection method: clinical testing. Allele origin: germline.
Comment: This sequence change creates a premature translational stop signal (p.Leu786Hisfs*17) in the ATR gene. It is expected to result in an absent or disrupted protein product. Loss-of-function variants in ATR are known to be pathogenic (PMID: 21228398, 23144622). This variant is present in population databases (no rsID available, gnomAD 0.0009%). This variant has not been reported in the literature in individuals affected with ATR-related conditions. Algorithms developed to predict the effect of sequence changes on RNA splicing suggest that this variant may disrupt the consensus splice site. For these reasons, this variant has been classified as Pathogenic.

Literature cited by the submitters: PubMed 21228398; PubMed 23144622.